The following is an entry in ClinVar:

ClinVar aggregate classification (germline): Likely benign (1 of 4 stars; one submission).

Allele frequency attached by ClinVar (database versions not stated): gnomAD 0.00001; gnomAD exomes 0.00002; ExAC 0.00005.
gnomAD v4.1: 31 of 1,612,688 alleles (0.0019%); highest among the groups gnomAD compares: South Asian, 0.034%; no homozygotes.

Submission:

CeGaT Center for Human Genetics Tuebingen
Classification: Likely benign. Last evaluated: 2023-09-01. Review status: criteria provided, single submitter. Criteria: CeGaT Center For Human Genetics Tuebingen Variant Classification Criteria Version 2. Collection method: clinical testing. Allele origin: germline. Affected: yes. Observed: 1 variant allele.
Comment: ROBO1: BP4, BP7

NM_002941.4(ROBO1):c.1011C>T (p.Gly337=)

Gene: ROBO1 (roundabout guidance receptor 1; minus strand). Cytogenetic location: 3p12.3.
Variant type: single nucleotide variant.
Coding change: c.1011C>T on transcript NM_002941.4 (MANE Select); coding-DNA position 1011, C replaced by T.
Protein change: p.Gly337=; no amino-acid change (glycine 337 retained).
Molecular consequence: synonymous variant.
Genome position (GRCh38, 1-based): chr3:78,714,431, G>A on the plus strand (C>T on the coding strand, the complement: ROBO1 is on the minus strand). VCF-style: chr3-78714431-G-A. GRCh37 (hg19) VCF-style: chr3-78763581-G-A.
Other names: c.894C>T, p.Gly298= (NM_001145844.1, NM_001145845.2, NM_133631.4).
Identifiers: ClinVar variation 2583016 (VCV002583016.25), dbSNP rs761918271, ClinGen allele CA2499089.